The following is an entry in ClinVar:

ClinVar aggregate classification (germline): Uncertain significance. Review status: criteria provided, multiple submitters, no conflicts (2 of 4 stars). 2 submissions from 2 submitters: Uncertain significance (2). Last evaluated 2025-03-23.

Conditions:
Inborn genetic diseases. Identifiers: MedGen C0950123, MeSH D030342.

gnomAD v4.1: 2 of 1,551,270 alleles (0.00013%); no homozygotes.

Submissions (2):

Ambry Genetics
Classification: Uncertain significance for Inborn genetic diseases. Last evaluated: 2025-03-23. Review status: criteria provided, single submitter. Criteria: Ambry Variant Classification Scheme 2023. Collection method: clinical testing. Allele origin: germline.

Labcorp Genetics (formerly Invitae), Labcorp
Classification: Uncertain significance. Last evaluated: 2025-02-17. Review status: criteria provided, single submitter. Criteria: Invitae Variant Classification Sherloc (09022015). Collection method: clinical testing. Allele origin: germline.
Comment: This sequence change replaces tyrosine, which is neutral and polar, with histidine, which is basic and polar, at codon 635 of the EYS protein (p.Tyr635His). This variant is not present in population databases (gnomAD no frequency). This variant has not been reported in the literature in individuals affected with EYS-related conditions. ClinVar contains an entry for this variant (Variation ID: 1498889). Invitae Evidence Modeling of protein sequence and biophysical properties (such as structural, functional, and spatial information, amino acid conservation, physicochemical variation, residue mobility, and thermodynamic stability) indicates that this missense variant is not expected to disrupt EYS protein function with a negative predictive value of 80%. In summary, the available evidence is currently insufficient to determine the role of this variant in disease. Therefore, it has been classified as a Variant of Uncertain Significance.

NM_001142800.2(EYS):c.1903T>C (p.Tyr635His)

Gene: EYS (EGF-like photoreceptor maintenance factor; minus strand). Cytogenetic location: 6q12.
Variant type: single nucleotide variant.
Coding change: c.1903T>C on transcript NM_001142800.2 (MANE Select); coding-DNA position 1903, T replaced by C.
Protein change: p.Tyr635His; replaces tyrosine 635 with histidine.
Molecular consequence: missense variant.
Genome position (GRCh38, 1-based): chr6:65,295,983, A>G on the plus strand (T>C on the coding strand, the complement: EYS is on the minus strand). VCF-style: chr6-65295983-A-G. GRCh37 (hg19) VCF-style: chr6-66005876-A-G.
Other names: c.1903T>C, p.Tyr635His (NM_001292009.2); c.1903T>C (NM_001142800.1); short protein forms Y635H.
Identifiers: ClinVar variation 1498889 (VCV001498889.7), dbSNP rs1386425607, ClinGen allele CA364659563.
Genomic context (GRCh38, chr6:65,295,983, plus strand): 5'-CATTTTTGCAGGACGCAGATTTGCAGTCTTCAGTATCTATCTCACAGATGTTCCTTTCAT[A>G]TCTTTGCAGACCGCTACAGTTACAATTGTGCGAAAGGGCCAGGCAGAGGCCATGCACTGA-3'
Protein context (NP_001136272.1, residues 625-645): HNCNCSGLQR[Tyr635His]ERNICEIDTE